The following is an entry in ClinVar:

ClinVar aggregate classification (germline): Conflicting classifications of pathogenicity. Review status: criteria provided, conflicting classifications (1 of 4 stars). 2 submissions from 2 submitters: Uncertain significance (1); Likely benign (1). Last evaluated 2023-03-23.

Conditions:
Hereditary breast ovarian cancer syndrome. Also called: Breast and ovarian cancer; Hereditary breast and ovarian cancer syndrome; Hereditary breast and ovarian cancer syndrome (HBOC); BRCA1- and BRCA2-Associated Hereditary Breast and Ovarian Cancer; Hereditary breast and ovarian cancer; Hereditary breast and/or ovarian cancer syndrome. Identifiers: Orphanet 145, MedGen C0677776, MeSH D061325, MONDO:0003582. Disease mechanism: loss of function.
Hereditary cancer-predisposing syndrome. Also called: Hereditary Cancer Syndrome; Hereditary neoplastic syndrome; Tumor predisposition; Neoplastic Syndromes, Hereditary. Identifiers: Orphanet 140162, MedGen C0027672, MeSH D009386, MONDO:0015356.

Submissions (2):

University of Washington Department of Laboratory Medicine, University of Washington
Classification: Likely benign for Hereditary cancer-predisposing syndrome. Last evaluated: 2023-03-23. Review status: criteria provided, single submitter. Criteria: Dines et al. (Genet Med. 2020). Collection method: curation. Allele origin: germline.
Comment: Missense variant in a coldspot region where missense variants are very unlikely to be pathogenic (PMID:31911673).

BRCA2 exon 11 coldspot. Reclassification based on statistical prior probability.

Labcorp Genetics (formerly Invitae), Labcorp
Classification: Uncertain significance for Hereditary breast ovarian cancer syndrome. Last evaluated: 2019-04-19. Review status: criteria provided, single submitter. Criteria: Invitae Variant Classification Sherloc (09022015). Collection method: clinical testing. Allele origin: germline.
Comment: In summary, the available evidence is currently insufficient to determine the role of this variant in disease. Therefore, it has been classified as a Variant of Uncertain Significance. This sequence change replaces lysine with glutamine at codon 1419 of the BRCA2 protein (p.Lys1419Gln). The lysine residue is weakly conserved and there is a small physicochemical difference between lysine and glutamine. This variant is not present in population databases (ExAC no frequency). This variant has not been reported in the literature in individuals with BRCA2-related conditions. Algorithms developed to predict the effect of missense changes on protein structure and function are either unavailable or do not agree on the potential impact of this missense change (SIFT: "Tolerated"; PolyPhen-2: "Possibly Damaging"; Align-GVGD: "Class C0").

NM_000059.4(BRCA2):c.4255A>C (p.Lys1419Gln)

Gene: BRCA2 (BRCA2 DNA repair associated; plus strand). Cytogenetic location: 13q13.1.
Variant type: single nucleotide variant.
Coding change: c.4255A>C on transcript NM_000059.4 (MANE Select); coding-DNA position 4255, A replaced by C.
Protein change: p.Lys1419Gln; replaces lysine 1419 with glutamine.
Molecular consequence: missense variant.
Genome position (GRCh38, 1-based): chr13:32,338,610, A>C. VCF-style: chr13-32338610-A-C. GRCh37 (hg19) VCF-style: chr13-32912747-A-C.
Other names: short protein forms K1419Q.
Identifiers: ClinVar variation 844461 (VCV000844461.11), dbSNP rs2072499955, ClinGen allele CA387780454.